The following is an entry in ClinVar:

NM_198253.3(TERT):c.1457G>C (p.Arg486Pro)

Gene: TERT (telomerase reverse transcriptase; minus strand). Cytogenetic location: 5p15.33.
Variant type: single nucleotide variant.
Coding change: c.1457G>C on transcript NM_198253.3 (MANE Select); coding-DNA position 1457, G replaced by C.
Protein change: p.Arg486Pro; replaces arginine 486 with proline.
Molecular consequence: missense variant. On other transcripts: non-coding transcript variant (2).
Genome position (GRCh38, 1-based): chr5:1,293,429, C>G on the plus strand (G>C on the coding strand, the complement: TERT is on the minus strand). VCF-style: chr5-1293429-C-G. GRCh37 (hg19) VCF-style: chr5-1293544-C-G.
Other names: c.1457G>C, p.Arg486Pro (NM_001193376.3, NM_003219.1); short protein forms R486P.
Identifiers: ClinVar variation 2630316 (VCV002630316.1), dbSNP rs1179486322, ClinGen allele CA359085526.

ClinVar aggregate classification (germline): Uncertain significance (1 of 4 stars; one submission).

Conditions:
TERT-related disorder. Also called: TERT-related condition; TERT-related disorders.

Submission:

PreventionGenetics, part of Exact Sciences
Classification: Uncertain significance for TERT-related condition. Last evaluated: 2023-01-27. Review status: criteria provided, single submitter. Criteria: ACMG Guidelines, 2015. Collection method: clinical testing. Allele origin: germline.
Comment: The TERT c.1457G>C variant is predicted to result in the amino acid substitution p.Arg486Pro. To our knowledge, this variant has not been reported in the literature or in a large population database, indicating this variant is rare. Of note, a different variant at the same amino acid (p.Arg486Cys) has been reported in patients with pulmonary fibrosis (Family 34 in Tsakiri et al. 2007. PubMed ID: 17460043). At this time, the clinical significance of the c.1457G>C (p.Arg486Pro) variant is uncertain due to the absence of conclusive functional and genetic evidence.